The following is an entry in ClinVar:

NM_030777.4(SLC2A10):c.685C>T (p.Arg229Ter)

Gene: SLC2A10 (solute carrier family 2 member 10; plus strand). Cytogenetic location: 20q13.12.
Variant type: single nucleotide variant.
Coding change: c.685C>T on transcript NM_030777.4 (MANE Select); coding-DNA position 685, C replaced by T.
Protein change: p.Arg229Ter; replaces arginine 229 with a stop codon.
Molecular consequence: nonsense.
Genome position (GRCh38, 1-based): chr20:46,725,721, C>T. VCF-style: chr20-46725721-C-T. GRCh37 (hg19) VCF-style: chr20-45354360-C-T.
Other names: short protein forms R229*.
Identifiers: ClinVar variation 161096 (VCV000161096.20), dbSNP rs756457861, ClinGen allele CA347762.
Genomic context (GRCh38, chr20:46,725,721, plus strand): 5'-CTGGGCCCGGGGAGGCCACGGTACTCCTTTCTGGACCTCTTCAGGGCACGCGATAACATG[C>T]GAGGCCGGACCACAGTGGGCCTGGGGCTGGTGCTCTTCCAGCAACTAACAGGGCAGCCCA-3'

ClinVar aggregate classification (germline): Pathogenic. Review status: criteria provided, multiple submitters, no conflicts (2 of 4 stars). 10 submissions from 10 submitters: Pathogenic (9). 1 of the submissions does not count toward it. Last evaluated 2026-01-11.

Conditions:
SLC2A10-related disorder. Also called: SLC2A10-related condition.
Thoracic aortic aneurysm or dissection.
Cardiovascular phenotype. Identifiers: MedGen CN230736.
Familial aortopathy. Identifiers: MedGen CN078214.
Arterial tortuosity syndrome (ATORS). Identifiers: Orphanet 3342, MedGen C1859726, MONDO:0008818, OMIM 208050.

Allele frequency attached by ClinVar (database versions not stated): gnomAD 0.00001; TOPMed below 0.00001.

Submissions (10):

Labcorp Genetics (formerly Invitae), Labcorp
Classification: Pathogenic for Arterial tortuosity syndrome. Last evaluated: 2026-01-11. Review status: criteria provided, single submitter. Criteria: Invitae Variant Classification Sherloc (09022015). Collection method: clinical testing. Allele origin: germline.
Comment: This sequence change creates a premature translational stop signal (p.Arg229*) in the SLC2A10 gene. It is expected to result in an absent or disrupted protein product. Loss-of-function variants in SLC2A10 are known to be pathogenic (PMID: 17935213, 22488877, 23494979). This variant is present in population databases (rs756457861, gnomAD 0.004%). This premature translational stop signal has been observed in individual(s) with arterial tortuosity syndrome (PMID: 17935213, 19622975, 19781076). ClinVar contains an entry for this variant (Variation ID: 161096). For these reasons, this variant has been classified as Pathogenic.

Institute of Medical Genetics and Applied Genomics, University Hospital Tübingen
Classification: Pathogenic for Arterial tortuosity syndrome. Last evaluated: 2025-07-18. Review status: criteria provided, single submitter. Criteria: ACMG Guidelines, 2015. Collection method: clinical testing. Allele origin: germline. Inheritance: Autosomal recessive inheritance. Affected: yes.

NHS Central & South Genomic Laboratory Hub
Classification: Pathogenic for Thoracic aortic aneurysm or dissection. Last evaluated: 2025-06-05. Review status: criteria provided, single submitter. Criteria: ACMG Guidelines, 2015. Collection method: clinical testing. Allele origin: germline. Affected: yes.

Women's Health and Genetics/Laboratory Corporation of America, LabCorp
Classification: Pathogenic for Familial aortopathy. Last evaluated: 2025-06-02. Review status: criteria provided, single submitter. Criteria: LabCorp Variant Classification Summary - May 2015. Collection method: clinical testing. Allele origin: germline.
Comment: Variant summary: SSLC2A10 c.685C>T (p.Arg229X) results in a premature termination codon, predicted to cause a truncation of the encoded protein or absence of the protein due to nonsense mediated decay, which are commonly known mechanisms for disease. The variant allele was found at a frequency of 1.6e-05 in 250942 control chromosomes (gnomAD). c.685C>T has been observed in individuals affected with Arterial tortuosity syndrome (Callewaert_2008, Beyens_2018, Kocova_2018). These data indicate that the variant is likely to be associated with disease. To our knowledge, no experimental evidence demonstrating an impact on protein function has been reported. The following publications have been ascertained in the context of this evaluation (PMID: 29323665, 17935213, 30425910). ClinVar contains an entry for this variant (Variation ID: 161096). Based on the evidence outlined above, the variant was classified as pathogenic.

Shaine Morris Lab, Baylor College of Medicine
Classification: Pathogenic for Arterial tortuosity syndrome. Last evaluated: 2025-03-05. Review status: criteria provided, single submitter. Criteria: ACMG Guidelines, 2015. Collection method: clinical testing. Allele origin: biparental, maternal. Inheritance: Autosomal recessive inheritance. Affected: yes. Observed: 1 compound heterozygote, 1 homozygote.
Comment: We are submitting the variant c.685C>T (p.Arg229Ter) in the SLC2A10 gene, previously described in PMID 17935213 and DOI 10.1186/s42269-022-00938-2, and classified as pathogenic in ClinVar. This variant results in a premature stop codon, leading to a truncated protein that is consistent with the phenotype of ATS. Both patients in our report exhibit clinical features aligning with ATS, supporting the pathogenicity of this variant. Supporting Evidence for Classification: We assigned the following criteria to this variant: PVS1: The variant is predicted to result in a premature stop codon (p.Arg229Ter), leading to a truncated protein. Loss-of-function variants in SLC2A10 are known to cause ATS, and this type of variant is considered strong evidence for pathogenicity. PM2: The variant is absent from population databases supporting the likelihood of pathogenicity in a disorder with low allele frequency in the general population. PM3: The presence of this variant in individuals with the ATS phenotype is consistent with the clinical features of the disease, adding further evidence for pathogenicity. Both patients in our study have the characteristic phenotype seen with ATS. PP4: Both patients exhibit clinical features consistent with ATS, including the hallmark symptom of aortic tortuosity, which is a well-established phenotypic manifestation of SLC2A10 variants. This provides additional support for the pathogenicity of the variant. PP5: The variant has been previously reported as pathogenic in the literature (PMID 17935213), further corroborating its pathogenic classification. In conclusion, the variant c.685C>T (p.Arg229Ter) in SLC2A10 is classified as pathogenic, consistent with prior reports and the clinical presentation of both patients in our study.

Fulgent Genetics
Classification: Pathogenic for Arterial tortuosity syndrome. Last evaluated: 2024-05-23. Review status: criteria provided, single submitter. Criteria: ACMG Guidelines, 2015. Collection method: clinical testing. Allele origin: germline.

Blueprint Genetics
Classification: Pathogenic for SLC2A10-related disorders. Last evaluated: 2022-07-14. Review status: criteria provided, single submitter. Criteria: ACMG Guidelines, 2015. Collection method: clinical testing. Allele origin: germline. Affected: yes. Observed: 5 variant alleles.

Laboratory for Molecular Medicine, Mass General Brigham Personalized Medicine
Classification: Pathogenic for Arterial tortuosity syndrome. Last evaluated: 2019-04-16. Review status: criteria provided, single submitter. Criteria: ACMG Guidelines, 2015. Collection method: clinical testing. Allele origin: germline. Inheritance: Autosomal recessive inheritance.
Comment: The p.Arg229X variant in SLC2A10 has been reported in 3 homozygous and 1 compound heterozygous individuals with arterial tortuosity syndrome (Allen 2009, Callewaert 2008, Kocova 2018, Ritelli 2009). It has also been identified in 0.0035% (4/113394) of European chromosomes by gnomAD and has been reported in ClinVar (Variation ID 161096). This nonsense variant leads to a premature termination codon at position 229, which is predicted to lead to a truncated or absent protein. Loss of function of the SLC2A10 gene is an established disease mechanism in autosomal recessive arterial tortuosity syndrome. In summary, this variant meets criteria to be classified as pathogenic for autosomal recessive arterial tortuosity syndrome. ACMG/AMP Criteria applied: PVS1, PM3_Strong, PM2_Supporting.

Ambry Genetics
Classification: Pathogenic for Cardiovascular phenotype. Last evaluated: 2013-06-24. Review status: criteria provided, single submitter. Criteria: Ambry Autosomal Dominant and X-Linked criteria (10/2015). Collection method: clinical testing. Allele origin: germline. Observed: 1 variant allele.

GeneReviews
No classification provided. Condition: Arterial tortuosity syndrome. Review status: no classification provided. Collection method: literature only. Allele origin: germline. Affected: yes. Not counted in ClinVar's aggregate classification.

Literature cited by the submitters: PubMed 17935213 (cited by 4 submitters); PubMed 22488877 (cited by Labcorp Genetics (formerly Invitae), Labcorp); PubMed 23494979 (cited by Labcorp Genetics (formerly Invitae), Labcorp); PubMed 19622975 (cited by 3 submitters); PubMed 19781076 (cited by 3 submitters); PubMed 29323665 (cited by Women's Health and Genetics/Laboratory Corporation of America, LabCorp and Shaine Morris Lab, Baylor College of Medicine); PubMed 30425910 (cited by Women's Health and Genetics/Laboratory Corporation of America, LabCorp and Laboratory for Molecular Medicine, Mass General Brigham Personalized Medicine); DOI 10.1186/s42269-022-00938-2 (cited by Shaine Morris Lab, Baylor College of Medicine); PubMed 28152038 (cited by Laboratory for Molecular Medicine, Mass General Brigham Personalized Medicine); NCBI Bookshelf NBK253404 (cited by GeneReviews).